The following is an entry in ClinVar:

ClinVar aggregate classification (germline): Uncertain significance (1 of 4 stars; one submission).

Conditions:
Hereditary cancer-predisposing syndrome. Also called: Neoplastic Syndromes, Hereditary; Tumor predisposition; Hereditary Cancer Syndrome; Hereditary neoplastic syndrome. Identifiers: Orphanet 140162, MedGen C0027672, MeSH D009386, MONDO:0015356.

Submission:

Ambry Genetics
Classification: Uncertain significance for Hereditary cancer-predisposing syndrome. Last evaluated: 2026-04-12. Review status: criteria provided, single submitter. Criteria: Ambry Variant Classification Scheme 2023. Collection method: clinical testing. Allele origin: germline.
Comment: The p.K1016R variant (also known as c.3047A>G), located in coding exon 26 of the TSC2 gene, results from an A to G substitution at nucleotide position 3047. The lysine at codon 1016 is replaced by arginine, an amino acid with highly similar properties. This amino acid position is conserved. In addition, the in silico prediction for this alteration is inconclusive. Based on the available evidence, the clinical significance of this variant remains unclear.

NM_000548.5(TSC2):c.3047A>G (p.Lys1016Arg)

Gene: TSC2 (TSC complex subunit 2; plus strand). Cytogenetic location: 16p13.3.
Variant type: single nucleotide variant.
Coding change: c.3047A>G on transcript NM_000548.5 (MANE Select); coding-DNA position 3047, A replaced by G.
Protein change: p.Lys1016Arg; replaces lysine 1016 with arginine.
Molecular consequence: missense variant. On other transcripts: non-coding transcript variant (5).
Genome position (GRCh38, 1-based): chr16:2,079,112, A>G. VCF-style: chr16-2079112-A-G. GRCh37 (hg19) VCF-style: chr16-2129113-A-G.
Other names: c.2915A>G, p.Lys972Arg (NM_001077183.3, NM_001370404.1, NM_001406665.1); c.3047A>G, p.Lys1016Arg (NM_001114382.3); c.2807A>G, p.Lys936Arg (NM_001318827.2); c.2771A>G, p.Lys924Arg (NM_001318829.2); c.2315A>G, p.Lys772Arg (NM_001318831.2, NM_001406687.1, NM_001406688.1); c.2948A>G, p.Lys983Arg (NM_001318832.2); c.2918A>G, p.Lys973Arg (NM_001363528.2, NM_001370405.1, NM_021055.3); c.3044A>G, p.Lys1015Arg (NM_001406663.1, NM_001406664.1); and 18 more; short protein forms K1002R, K1003R, K1015R, K1016R, K438R, K524R, K525R, K568R.
Identifiers: ClinVar variation 4866089 (VCV004866089.1).